The following is an entry in ClinVar:

NM_000426.4(LAMA2):c.4671T>A (p.Cys1557Ter)

Gene: LAMA2 (laminin subunit alpha 2; plus strand). Cytogenetic location: 6q22.33.
Variant type: single nucleotide variant.
Coding change: c.4671T>A on transcript NM_000426.4 (MANE Select); coding-DNA position 4671, T replaced by A.
Protein change: p.Cys1557Ter; replaces cysteine 1557 with a stop codon.
Molecular consequence: nonsense.
Genome position (GRCh38, 1-based): chr6:129,353,311, T>A. VCF-style: chr6-129353311-T-A. GRCh37 (hg19) VCF-style: chr6-129674456-T-A.
Other names: c.4671T>A, p.Cys1557Ter (NM_001079823.2); short protein forms C1557*.
Identifiers: ClinVar variation 4733496 (VCV004733496.1).

ClinVar aggregate classification (germline): Pathogenic (1 of 4 stars; one submission).

Conditions:
LAMA2-related muscular dystrophy (LAMA2-RD). Also called: Laminin alpha 2-related dystrophy. Identifiers: MedGen C5679788, MONDO:0100228.

gnomAD v4.1: 2 of 1,614,130 alleles (0.00012%); highest among the groups gnomAD compares: Non-Finnish European, 0.00017%; no homozygotes.

Submission:

Labcorp Genetics (formerly Invitae), Labcorp
Classification: Pathogenic for LAMA2-related muscular dystrophy. Last evaluated: 2025-12-17. Review status: criteria provided, single submitter. Criteria: Invitae Variant Classification Sherloc (09022015). Collection method: clinical testing. Allele origin: germline.
Comment: This sequence change creates a premature translational stop signal (p.Cys1557*) in the LAMA2 gene. It is expected to result in an absent or disrupted protein product. Loss-of-function variants in LAMA2 are known to be pathogenic (PMID: 18700894, 32904964). This variant is not present in population databases (gnomAD no frequency). This variant has not been reported in the literature in individuals affected with LAMA2-related conditions. For these reasons, this variant has been classified as Pathogenic.

Literature cited by the submitters: PubMed 18700894; PubMed 32904964.